The following is an entry in ClinVar:

NM_000218.3(KCNQ1):c.1393+25438A>G

Genes: KCNQ1 (potassium voltage-gated channel subfamily Q member 1; plus strand), KCNQ1OT1 (KCNQ1 opposite strand/antisense transcript 1; minus strand). Cytogenetic location: 11p15.5.
Variant type: single nucleotide variant.
Coding change: c.1393+25438A>G on transcript NM_000218.3 (MANE Select); 25438 bases into the intron after coding-DNA position 1393, A replaced by G.
Molecular consequence: intron variant. On other transcripts: non-coding transcript variant (1).
Genome position (GRCh38, 1-based): chr11:2,614,292, A>G. VCF-style: chr11-2614292-A-G. GRCh37 (hg19) VCF-style: chr11-2635522-A-G.
Other names: c.1123+25438A>G (NM_001406837.1); c.1297+25438A>G (NM_001406836.1); c.853+25438A>G (NM_001406838.1); c.1012+25438A>G (NM_181798.2).
Identifiers: ClinVar variation 3771752 (VCV003771752.13).

ClinVar aggregate classification (germline): Likely benign (1 of 4 stars; one submission).

gnomAD v4.1: 61 of 398,506 alleles (0.015%); highest among the groups gnomAD compares: South Asian, 0.29%; 1 homozygote.

Submission:

CeGaT Center for Human Genetics Tuebingen
Classification: Likely benign. Last evaluated: 2024-12-01. Review status: criteria provided, single submitter. Criteria: CeGaT Center For Human Genetics Tuebingen Variant Classification Criteria Version 2. Collection method: clinical testing. Allele origin: germline. Affected: yes. Observed: 1 variant allele.
Comment: KCNQ1OT1: BS1